The following is an entry in ClinVar:

NM_001010874.5(TECRL):c.774+4T>C

Gene: TECRL (trans-2,3-enoyl-CoA reductase like; minus strand). Cytogenetic location: 4q13.1.
Variant type: single nucleotide variant.
Coding change: c.774+4T>C on transcript NM_001010874.5 (MANE Select); 4 bases into the intron after coding-DNA position 774, T replaced by C.
Molecular consequence: intron variant.
Genome position (GRCh38, 1-based): chr4:64,299,970, A>G on the plus strand (T>C on the coding strand, the complement: TECRL is on the minus strand). VCF-style: chr4-64299970-A-G. GRCh37 (hg19) VCF-style: chr4-65165688-A-G.
Other names: c.774+4T>C (NM_001363796.1).
Identifiers: ClinVar variation 1760400 (VCV001760400.3), dbSNP rs774819032, ClinGen allele CA2935389.
Genomic context (GRCh38, chr4:64,299,970, plus strand): 5'-GTCTGTTTTTCTTAATAATACCAAAATTAGAGCGTGAATAGCAAAATATATATATGATAC[A>G]TACCAGAAAATTGATAGCAGATACTGTGATTTGCCTGTTTCCAAATGCTGGAGAGTAGAA-3'

ClinVar aggregate classification (germline): Uncertain significance (1 of 4 stars; one submission).

Conditions:
Cardiovascular phenotype. Identifiers: MedGen CN230736.

Allele frequency attached by ClinVar (database versions not stated): gnomAD 0.00001; TOPMed 0.00002; ExAC 0.00003.
gnomAD v4.1: 16 of 1,569,700 alleles (0.001%); highest among the groups gnomAD compares: Admixed American, 0.025%; no homozygotes.

Submission:

Ambry Genetics
Classification: Uncertain significance for Cardiovascular phenotype. Last evaluated: 2024-08-05. Review status: criteria provided, single submitter. Criteria: Ambry Variant Classification Scheme 2023. Collection method: clinical testing. Allele origin: germline.
Comment: The c.774+4T>C intronic variant results from a T to C substitution 4 nucleotides after coding exon 8 in the TECRL gene. This nucleotide position is not well conserved in available vertebrate species. In silico splice site analysis predicts that this alteration will not have any significant effect on splicing. Since supporting evidence is limited at this time, the clinical significance of this alteration remains unclear.